The following is an entry in ClinVar:

ClinVar aggregate classification (germline): Uncertain significance (1 of 4 stars; one submission).

Submission:

Labcorp Genetics (formerly Invitae), Labcorp
Classification: Uncertain significance. Last evaluated: 2021-10-18. Review status: criteria provided, single submitter. Criteria: Invitae Variant Classification Sherloc (09022015). Collection method: clinical testing. Allele origin: germline.
Comment: In summary, the available evidence is currently insufficient to determine the role of this variant in disease. Therefore, it has been classified as a Variant of Uncertain Significance. Algorithms developed to predict the effect of sequence changes on RNA splicing suggest that this variant may create or strengthen a splice site. This variant is also known as p.Lys595Asnfs*4. This variant has been observed in individual(s) with X-linked hypophosphatemia (Invitae). This variant is not present in population databases (gnomAD no frequency). This sequence change falls in intron 17 of the PHEX gene. It does not directly change the encoded amino acid sequence of the PHEX protein.

NM_000444.6(PHEX):c.1769-6_1784dup

Genes: PHEX (phosphate regulating endopeptidase X-linked; plus strand), PTCHD1-AS (PTCHD1 and PHEX antisense RNA; minus strand). Cytogenetic location: Xp22.11.
Variant type: Duplication.
Coding change: c.1769-6_1784dup on transcript NM_000444.6 (MANE Select); 6 bases into the intron before coding-DNA position 1769 through coding-DNA position 1784, 22 bases duplicated (TGCTAGGTAGAAAATATGATAA).
Molecular consequence: splice acceptor variant.
Genome position (GRCh38, 1-based): chrX:22,221,607-22,221,628, TGCTAGGTAGAAAATATGATAA duplicated. VCF-style (leftmost placement, unchanged base first): chrX-22221606-T-TTGCTAGGTAGAAAATATGATAA. GRCh37 (hg19) VCF-style: chrX-22239723-T-TTGCTAGGTAGAAAATATGATAA.
Other names: c.1769-6_1784dup (NM_001282754.2).
Identifiers: ClinVar variation 1421492 (VCV001421492.6), dbSNP rs2147174326, ClinGen allele CA2573158537.